The following is an entry in ClinVar:

ClinVar aggregate classification (germline): Uncertain significance (1 of 4 stars; one submission).

Allele frequency attached by ClinVar (database versions not stated): gnomAD 0.00001; 1000 Genomes Project 30x 0.00016; ExAC 0.00001; 1000 Genomes Project 0.00020.
gnomAD v4.1: 1 of 1,614,182 alleles (0.000062%); highest among the groups gnomAD compares: African/African-American, 0.0013%; no homozygotes.

Submission:

Labcorp Genetics (formerly Invitae), Labcorp
Classification: Uncertain significance. Last evaluated: 2024-06-17. Review status: criteria provided, single submitter. Criteria: Invitae Variant Classification Sherloc (09022015). Collection method: clinical testing. Allele origin: germline.
Comment: This sequence change replaces isoleucine, which is neutral and non-polar, with threonine, which is neutral and polar, at codon 438 of the DHX32 protein (p.Ile438Thr). This variant is present in population databases (rs535736548, gnomAD 0.007%). This variant has not been reported in the literature in individuals affected with DHX32-related conditions. An algorithm developed to predict the effect of missense changes on protein structure and function (PolyPhen-2) suggests that this variant is likely to be disruptive. In summary, the available evidence is currently insufficient to determine the role of this variant in disease. Therefore, it has been classified as a Variant of Uncertain Significance.

NM_018180.3(DHX32):c.1313T>C (p.Ile438Thr)

Genes: BCCIP (BRCA2 and CDKN1A interacting protein; plus strand), DHX32 (DEAH-box helicase 32 (putative); minus strand). Cytogenetic location: 10q26.2.
Variant type: single nucleotide variant.
Coding change: c.1313T>C on transcript NM_018180.3 (MANE Select); coding-DNA position 1313, T replaced by C.
Protein change: p.Ile438Thr; replaces isoleucine 438 with threonine.
Molecular consequence: missense variant. On other transcripts: intron variant (1).
Genome position (GRCh38, 1-based): chr10:125,852,331, A>G on the plus strand (T>C on the coding strand, the complement: DHX32 is on the minus strand). VCF-style: chr10-125852331-A-G. GRCh37 (hg19) VCF-style: chr10-127540900-A-G.
Other names: c.851-794A>G (NM_016567.4); short protein forms I438T.
Identifiers: ClinVar variation 2792458 (VCV002792458.3), dbSNP rs535736548, ClinGen allele CA5739222.